The following is an entry in ClinVar:

NM_015089.4(CUL9):c.4933C>T (p.Arg1645Cys)

Gene: CUL9 (cullin 9; plus strand). Cytogenetic location: 6p21.1.
Variant type: single nucleotide variant.
Coding change: c.4933C>T on transcript NM_015089.4 (MANE Select); coding-DNA position 4933, C replaced by T.
Protein change: p.Arg1645Cys; replaces arginine 1645 with cysteine.
Molecular consequence: missense variant.
Genome position (GRCh38, 1-based): chr6:43,206,146, C>T. VCF-style: chr6-43206146-C-T. GRCh37 (hg19) VCF-style: chr6-43173884-C-T.
Other names: short protein forms R1645C.
Identifiers: ClinVar variation 3058024 (VCV003058024.2), dbSNP rs568298914, ClinGen allele CA3818257.

ClinVar aggregate classification (germline): Likely benign (0 of 4 stars; one submission).

Conditions:
CUL9-related disorder. Also called: CUL9-related condition.

Allele frequency attached by ClinVar (database versions not stated): TOPMed 0.00004; gnomAD 0.00015; gnomAD exomes 0.00032; ExAC 0.00062; 1000 Genomes Project 30x 0.00109; 1000 Genomes Project 0.00120.
gnomAD v4.1: 474 of 1,614,098 alleles (0.029%); highest among the groups gnomAD compares: South Asian, 0.49%; 5 homozygotes.

Submission:

PreventionGenetics, part of Exact Sciences
Classification: Likely benign for CUL9-related condition. Last evaluated: 2019-04-08. Review status: no assertion criteria provided. Collection method: clinical testing. Allele origin: germline.
Comment: This variant is classified as likely benign based on ACMG/AMP sequence variant interpretation guidelines (Richards et al. 2015 PMID: 25741868, with internal and published modifications).